The following is an entry in ClinVar:

NM_001113378.2(FANCI):c.565G>A (p.Glu189Lys)

Gene: FANCI (FA complementation group I; plus strand). Cytogenetic location: 15q26.1.
Variant type: single nucleotide variant.
Coding change: c.565G>A on transcript NM_001113378.2 (MANE Select); coding-DNA position 565, G replaced by A.
Protein change: p.Glu189Lys; replaces glutamic acid 189 with lysine.
Molecular consequence: missense variant.
Genome position (GRCh38, 1-based): chr15:89,263,922, G>A. VCF-style: chr15-89263922-G-A. GRCh37 (hg19) VCF-style: chr15-89807153-G-A.
Other names: c.286G>A, p.Glu96Lys (NM_001376910.1); c.565G>A, p.Glu189Lys (NM_001376911.1, NM_018193.3); short protein forms E96K, E189K.
Identifiers: ClinVar variation 1482704 (VCV001482704.6), dbSNP rs2052827867, ClinGen allele CA393738908.

ClinVar aggregate classification (germline): Uncertain significance (1 of 4 stars; one submission).

Conditions:
Fanconi anemia (FA). Also called: Fanconi's anemia. Identifiers: Orphanet 84, MedGen C0015625, MeSH D005199, MONDO:0019391.

Submission:

Labcorp Genetics (formerly Invitae), Labcorp
Classification: Uncertain significance for Fanconi anemia. Last evaluated: 2025-07-28. Review status: criteria provided, single submitter. Criteria: Invitae Variant Classification Sherloc (09022015). Collection method: clinical testing. Allele origin: germline.
Comment: This sequence change replaces glutamic acid, which is acidic and polar, with lysine, which is basic and polar, at codon 189 of the FANCI protein (p.Glu189Lys). This variant is not present in population databases (gnomAD no frequency). This variant has not been reported in the literature in individuals affected with FANCI-related conditions. ClinVar contains an entry for this variant (Variation ID: 1482704). Invitae Evidence Modeling of protein sequence and biophysical properties (such as structural, functional, and spatial information, amino acid conservation, physicochemical variation, residue mobility, and thermodynamic stability) indicates that this missense variant is expected to disrupt FANCI protein function with a positive predictive value of 80%. In summary, the available evidence is currently insufficient to determine the role of this variant in disease. Therefore, it has been classified as a Variant of Uncertain Significance.